The following is an entry in ClinVar:

NM_000059.4(BRCA2):c.9537G>A (p.Lys3179=)

Gene: BRCA2 (BRCA2 DNA repair associated; plus strand). Cytogenetic location: 13q13.1.
Variant type: single nucleotide variant.
Coding change: c.9537G>A on transcript NM_000059.4 (MANE Select); coding-DNA position 9537, G replaced by A.
Protein change: p.Lys3179=; no amino-acid change (lysine 3179 retained).
Molecular consequence: synonymous variant.
Genome position (GRCh38, 1-based): chr13:32,396,933, G>A. VCF-style: chr13-32396933-G-A. GRCh37 (hg19) VCF-style: chr13-32971070-G-A.
Identifiers: ClinVar variation 427431 (VCV000427431.12), dbSNP rs756185318, ClinGen allele CA6941410.

ClinVar aggregate classification (germline): Likely benign. Review status: reviewed by expert panel (3 of 4 stars). 5 submissions from 5 submitters: Likely benign (1). 4 of the submissions do not count toward it. Last evaluated 2017-06-29.

Conditions:
Hereditary cancer-predisposing syndrome. Also called: Hereditary neoplastic syndrome; Hereditary Cancer Syndrome; Neoplastic Syndromes, Hereditary; Tumor predisposition. Identifiers: Orphanet 140162, MedGen C0027672, MeSH D009386, MONDO:0015356.
Breast-ovarian cancer, familial, susceptibility to, 2 (BROVCA2). Also called: BRCA2 Hereditary Breast and Ovarian Cancer. Identifiers: Orphanet 145, MedGen C2675520, MONDO:0012933, OMIM 612555. Disease mechanism: loss of function.
Hereditary breast ovarian cancer syndrome. Also called: Hereditary breast and ovarian cancer syndrome; BRCA1- and BRCA2-Associated Hereditary Breast and Ovarian Cancer; Hereditary breast and/or ovarian cancer syndrome; Hereditary breast and ovarian cancer; Breast and ovarian cancer; Hereditary breast and ovarian cancer syndrome (HBOC). Identifiers: Orphanet 145, MedGen C0677776, MeSH D061325, MONDO:0003582. Disease mechanism: loss of function.

Allele frequency attached by ClinVar (database versions not stated): gnomAD exomes below 0.00001 and 0.00001; TOPMed below 0.00001; gnomAD 0.00001; ExAC 0.00002.
gnomAD v4.1: 6 of 1,613,938 alleles (0.00037%); highest among the groups gnomAD compares: South Asian, 0.0011%; no homozygotes.

Submissions (5):

Evidence-based Network for the Interpretation of Germline Mutant Alleles (ENIGMA)
Classification: Likely benign for Breast-ovarian cancer, familial, susceptibility to, 2. Last evaluated: 2017-06-29. Review status: reviewed by expert panel. Criteria: ENIGMA BRCA1/2 Classification Criteria (2017-06-29). Collection method: curation. Allele origin: germline.
Comment: Synonymous substitution variant, with low bioinformatic likelihood to result in a splicing aberration (Splicing prior probability 0.02).

All of Us Research Program, National Institutes of Health
Classification: Likely benign for Breast-ovarian cancer, familial, susceptibility to, 2. Last evaluated: 2023-11-20. Review status: criteria provided, single submitter. Criteria: ACMG Guidelines, 2015. Collection method: clinical testing. Allele origin: germline. Inheritance: Autosomal dominant inheritance. Observed: 1 variant allele, 1 heterozygote. Not counted in ClinVar's aggregate classification.
Comment: This study involves interpretation of variants in research participants for the purpose of population health screening. Participant phenotype was not available at the time of variant classification. Additional details can be found in publication PMID: 35346344, PMCID: PMC8962531

Labcorp Genetics (formerly Invitae), Labcorp
Classification: Likely benign for Hereditary breast ovarian cancer syndrome. Last evaluated: 2023-05-19. Review status: criteria provided, single submitter. Criteria: Invitae Variant Classification Sherloc (09022015). Collection method: clinical testing. Allele origin: germline. Not counted in ClinVar's aggregate classification.

Ambry Genetics
Classification: Likely benign for Hereditary cancer-predisposing syndrome. Last evaluated: 2022-08-07. Review status: criteria provided, single submitter. Criteria: Ambry Variant Classification Scheme 2023. Collection method: clinical testing. Allele origin: germline. Not counted in ClinVar's aggregate classification.

BRCAlab, Lund University
Classification: Likely benign for Breast-ovarian cancer, familial, susceptibility to, 2. Last evaluated: 2020-03-02. Review status: no assertion criteria provided. Collection method: clinical testing. Allele origin: germline. Affected: yes. Not counted in ClinVar's aggregate classification.